The following is an entry in ClinVar:

NM_030624.3(KLHL15):c.1718A>G (p.Asp573Gly)

Gene: KLHL15 (kelch like family member 15; minus strand). Cytogenetic location: Xp22.11.
Variant type: single nucleotide variant.
Coding change: c.1718A>G on transcript NM_030624.3 (MANE Select); coding-DNA position 1718, A replaced by G.
Protein change: p.Asp573Gly; replaces aspartic acid 573 with glycine.
Molecular consequence: missense variant.
Genome position (GRCh38, 1-based): chrX:23,988,018, T>C on the plus strand (A>G on the coding strand, the complement: KLHL15 is on the minus strand). VCF-style: chrX-23988018-T-C. GRCh37 (hg19) VCF-style: chrX-24006135-T-C.
Other names: short protein forms D573G.
Identifiers: ClinVar variation 4087908 (VCV004087908.1).
Genomic context (GRCh38, chrX:23,988,018, plus strand): 5'-GGAAAATGCAGGTTGCATACTTGTAAACCATCCAGCTTGCAGGGCATCCGAGGGTACTCA[T>C]CTTCCTTCCACTTGTTTTCATCCGGATCAAAAGTGAGGATGGAATCGCTGTAATGACCAT-3'
Protein context (NP_085127.2, residues 563-583): FDPDENKWKE[Asp573Gly]EYPRMPCKLD

ClinVar aggregate classification (germline): Uncertain significance (1 of 4 stars; one submission).

gnomAD v4.1: 1 of 1,211,756 alleles (0.000083%); highest among the groups gnomAD compares: Non-Finnish European, 0.00011%; no homozygotes.

Submission:

GeneDx
Classification: Uncertain significance. Last evaluated: 2025-03-26. Review status: criteria provided, single submitter. Criteria: GeneDx Variant Classification Process June 2021. Collection method: clinical testing. Allele origin: germline. Affected: yes.
Comment: Not observed at significant frequency in large population cohorts (gnomAD); In silico analysis indicates that this missense variant does not alter protein structure/function; In silico analysis supports a deleterious effect on splicing; Has not been previously published as pathogenic or benign to our knowledge